The following is an entry in ClinVar:

NM_000219.6(KCNE1):c.19A>C (p.Thr7Pro)

Gene: KCNE1 (potassium voltage-gated channel subfamily E regulatory subunit 1; minus strand). Cytogenetic location: 21q22.12.
Variant type: single nucleotide variant.
Coding change: c.19A>C on transcript NM_000219.6 (MANE Select); coding-DNA position 19, A replaced by C.
Protein change: p.Thr7Pro; replaces threonine 7 with proline.
Molecular consequence: missense variant.
Genome position (GRCh38, 1-based): chr21:34,449,616, T>G on the plus strand (A>C on the coding strand, the complement: KCNE1 is on the minus strand). VCF-style: chr21-34449616-T-G. GRCh37 (hg19) VCF-style: chr21-35821914-T-G.
Other names: c.19A>C, p.Thr7Pro (NM_001127668.4, NM_001127669.4, NM_001127670.4 and 4 more transcripts); short protein forms T7P.
Identifiers: ClinVar variation 3374280 (VCV003374280.2).

Conditions:
Long QT syndrome 5 (LQT5). Identifiers: Orphanet 101016, Orphanet 768, MedGen C1867904, MONDO:0013372, OMIM 613695.

Submission:

Roden Lab, Vanderbilt University Medical Center
No classification provided (evidence only). Condition: Long QT syndrome 5. Review status: no classification provided. Collection method: in vitro. Allele origin: not applicable. Functional consequence: Effect on ion channel function.
ClinVar note: "not provided" was previously submitted as the classification for the variant. However, the classification appeared to be based only on an observation of functional data so it was converted to no classification on 2025-07-30.